The following is an entry in ClinVar:

NM_000170.3(GLDC):c.1783T>C (p.Phe595Leu)

Gene: GLDC (glycine decarboxylase; minus strand). Cytogenetic location: 9p24.1.
Variant type: single nucleotide variant.
Coding change: c.1783T>C on transcript NM_000170.3 (MANE Select); coding-DNA position 1783, T replaced by C.
Protein change: p.Phe595Leu; replaces phenylalanine 595 with leucine.
Molecular consequence: missense variant.
Genome position (GRCh38, 1-based): chr9:6,587,208, A>G on the plus strand (T>C on the coding strand, the complement: GLDC is on the minus strand). VCF-style: chr9-6587208-A-G. GRCh37 (hg19) VCF-style: chr9-6587208-A-G.
Other names: short protein forms F595L.
Identifiers: ClinVar variation 3706063 (VCV003706063.3).

ClinVar aggregate classification (germline): Uncertain significance. Review status: criteria provided, single submitter (1 of 4 stars). 2 submissions from 2 submitters: Uncertain significance (1). 1 of the submissions does not count toward it. Last evaluated 2024-03-03.

Conditions:
Glycine encephalopathy. Also called: Nonketotic hyperglycinemia; Non-ketotic hyperglycinemia. Identifiers: Orphanet 407, MedGen C0751748, MONDO:0011612, HP:0008288.

Submissions (2):

Labcorp Genetics (formerly Invitae), Labcorp
Classification: Uncertain significance for Glycine encephalopathy. Last evaluated: 2024-03-03. Review status: criteria provided, single submitter. Criteria: Invitae Variant Classification Sherloc (09022015). Collection method: clinical testing. Allele origin: germline.
Comment: This sequence change replaces phenylalanine, which is neutral and non-polar, with leucine, which is neutral and non-polar, at codon 595 of the GLDC protein (p.Phe595Leu). This variant is not present in population databases (gnomAD no frequency). This variant has not been reported in the literature in individuals affected with GLDC-related conditions. Advanced modeling of protein sequence and biophysical properties (such as structural, functional, and spatial information, amino acid conservation, physicochemical variation, residue mobility, and thermodynamic stability) performed at Invitae indicates that this missense variant is not expected to disrupt GLDC protein function with a negative predictive value of 80%. In summary, the available evidence is currently insufficient to determine the role of this variant in disease. Therefore, it has been classified as a Variant of Uncertain Significance.

Natera, Inc.
Classification: Uncertain significance for Non-ketotic hyperglycinemia. Last evaluated: 2025-02-03. Review status: no assertion criteria provided. Collection method: clinical testing. Allele origin: germline. Not counted in ClinVar's aggregate classification.